The following is an entry in ClinVar:

ClinVar aggregate classification (germline): Uncertain significance. Review status: criteria provided, multiple submitters, no conflicts (2 of 4 stars). 2 submissions from 2 submitters: Uncertain significance (2). Last evaluated 2022-07-14.

Conditions:
Hereditary cancer-predisposing syndrome. Also called: Tumor predisposition; Hereditary neoplastic syndrome; Hereditary Cancer Syndrome; Neoplastic Syndromes, Hereditary. Identifiers: Orphanet 140162, MedGen C0027672, MeSH D009386, MONDO:0015356.

Submissions (2):

Ambry Genetics
Classification: Uncertain significance for Hereditary cancer-predisposing syndrome. Last evaluated: 2022-07-14. Review status: criteria provided, single submitter. Criteria: Ambry Variant Classification Scheme 2023. Collection method: clinical testing. Allele origin: germline.
Comment: The p.L1355S variant (also known as c.4064T>C), located in coding exon 32 of the POLE gene, results from a T to C substitution at nucleotide position 4064. The leucine at codon 1355 is replaced by serine, an amino acid with dissimilar properties. This amino acid position is conserved. In addition, this alteration is predicted to be deleterious by in silico analysis. Since supporting evidence is limited at this time, the clinical significance of this alteration remains unclear.

Labcorp Genetics (formerly Invitae), Labcorp
Classification: Uncertain significance. Last evaluated: 2020-01-14. Review status: criteria provided, single submitter. Criteria: Invitae Variant Classification Sherloc (09022015). Collection method: clinical testing. Allele origin: germline.
Comment: In summary, the available evidence is currently insufficient to determine the role of this variant in disease. Therefore, it has been classified as a Variant of Uncertain Significance. Algorithms developed to predict the effect of missense changes on protein structure and function (SIFT, PolyPhen-2, Align-GVGD) all suggest that this variant is likely to be disruptive, but these predictions have not been confirmed by published functional studies and their clinical significance is uncertain. This variant has not been reported in the literature in individuals with POLE-related conditions. This variant is not present in population databases (ExAC no frequency). This sequence change replaces leucine with serine at codon 1355 of the POLE protein (p.Leu1355Ser). The leucine residue is highly conserved and there is a large physicochemical difference between leucine and serine.

NM_006231.4(POLE):c.4064T>C (p.Leu1355Ser)

Gene: POLE (DNA polymerase epsilon, catalytic subunit; minus strand). Cytogenetic location: 12q24.33.
Variant type: single nucleotide variant.
Coding change: c.4064T>C on transcript NM_006231.4 (MANE Select); coding-DNA position 4064, T replaced by C.
Protein change: p.Leu1355Ser; replaces leucine 1355 with serine.
Molecular consequence: missense variant.
Genome position (GRCh38, 1-based): chr12:132,649,014, A>G on the plus strand (T>C on the coding strand, the complement: POLE is on the minus strand). VCF-style: chr12-132649014-A-G. GRCh37 (hg19) VCF-style: chr12-133225600-A-G.
Other names: short protein forms L1355S.
Identifiers: ClinVar variation 1051124 (VCV001051124.11), dbSNP rs2138598604, ClinGen allele CA387383850.